The following is an entry in ClinVar:

NM_001365951.3(KIF1B):c.2793G>A (p.Met931Ile)

Genes: KIF1B (kinesin family member 1B; plus strand), LOC126805614 (BRD4-independent group 4 enhancer GRCh37_chr1:10385546-10386745; plus strand). Cytogenetic location: 1p36.22.
Variant type: single nucleotide variant.
Coding change: c.2793G>A on transcript NM_001365951.3 (MANE Select); coding-DNA position 2793, G replaced by A.
Protein change: p.Met931Ile; replaces methionine 931 with isoleucine.
Molecular consequence: missense variant.
Genome position (GRCh38, 1-based): chr1:10,326,228, G>A. VCF-style: chr1-10326228-G-A. GRCh37 (hg19) VCF-style: chr1-10386286-G-A.
Other names: c.2793G>A, p.Met931Ile (NM_001365952.1); c.2655G>A, p.Met885Ile (NM_015074.3); short protein forms M885I, M931I.
Identifiers: ClinVar variation 4858812 (VCV004858812.1).

ClinVar aggregate classification (germline): Uncertain significance (1 of 4 stars; one submission).

gnomAD v4.1: 1 of 1,614,188 alleles (0.000062%); highest among the groups gnomAD compares: Non-Finnish European, 0.000085%; no homozygotes.

Submission:

Ambry Genetics
Classification: Uncertain significance. Last evaluated: 2026-04-22. Review status: criteria provided, single submitter. Criteria: Ambry Variant Classification Scheme 2023. Collection method: clinical testing. Allele origin: germline.
Comment: The p.M885I variant (also known as c.2655G>A), located in coding exon 24 of the KIF1B gene, results from a G to A substitution at nucleotide position 2655. The methionine at codon 885 is replaced by isoleucine, an amino acid with highly similar properties. This amino acid position is conserved. In addition, the in silico prediction for this alteration is inconclusive. Based on the available evidence, the clinical significance of this variant remains unclear.